The following is an entry in ClinVar:

ClinVar aggregate classification (germline): Uncertain significance. Review status: criteria provided, multiple submitters, no conflicts (2 of 4 stars). 2 submissions from 2 submitters: Uncertain significance (2). Last evaluated 2025-02-03.

gnomAD v4.1: 1 of 1,614,114 alleles (0.000062%); highest among the groups gnomAD compares: Non-Finnish European, 0.000085%; no homozygotes.

Submissions (2):

GeneDx
Classification: Uncertain significance. Last evaluated: 2025-02-03. Review status: criteria provided, single submitter. Criteria: GeneDx Variant Classification Process June 2021. Collection method: clinical testing. Allele origin: germline. Affected: yes.
Comment: Not observed at significant frequency in large population cohorts (gnomAD); In silico analysis supports that this missense variant has a deleterious effect on protein structure/function; Has not been previously published as pathogenic or benign to our knowledge

Blueprint Genetics
Classification: Uncertain significance. Last evaluated: 2021-07-26. Review status: criteria provided, single submitter. Criteria: ACMG Guidelines, 2015. Collection method: clinical testing. Allele origin: germline.

NM_014991.6(WDFY3):c.89G>A (p.Arg30Gln)

Gene: WDFY3 (WD repeat and FYVE domain containing 3; minus strand). Cytogenetic location: 4q21.23.
Variant type: single nucleotide variant.
Coding change: c.89G>A on transcript NM_014991.6 (MANE Select); coding-DNA position 89, G replaced by A.
Protein change: p.Arg30Gln; replaces arginine 30 with glutamine.
Molecular consequence: missense variant.
Genome position (GRCh38, 1-based): chr4:84,860,503, C>T on the plus strand (G>A on the coding strand, the complement: WDFY3 is on the minus strand). VCF-style: chr4-84860503-C-T. GRCh37 (hg19) VCF-style: chr4-85781656-C-T.
Other names: short protein forms R30Q.
Identifiers: ClinVar variation 4072474 (VCV004072474.2).
Genomic context (GRCh38, chr4:84,860,503, plus strand): 5'-TTCTCTTCTTGTTCCTTCTGAGTCATGTGCCGGGGAGGATGGCACAACTCCGTGAAGAGC[C>T]GGCGGAGGTGCATCAGTCCTAAGGCGTTGTCTTGTGGGCTGCACTCCTCCTGCCTCGGCC-3'
Protein context (NP_055806.2, residues 20-40): DNALGLMHLR[Arg30Gln]LFTELCHPPR